The following is an entry in ClinVar:

ClinVar aggregate classification (germline): Likely benign (0 of 4 stars; one submission).

Conditions:
LZTS1-related disorder. Also called: LZTS1-related condition.

Allele frequency attached by ClinVar (database versions not stated): ExAC 0.00004; gnomAD 0.00006; TOPMed 0.00007; ESP Exome Variant Server 0.00008.
gnomAD v4.1: 17 of 1,508,634 alleles (0.0011%); highest among the groups gnomAD compares: African/African-American, 0.021%; no homozygotes.

Submission:

PreventionGenetics, part of Exact Sciences
Classification: Likely benign for LZTS1-related condition. Last evaluated: 2020-05-19. Review status: no assertion criteria provided. Collection method: clinical testing. Allele origin: germline.
Comment: This variant is classified as likely benign based on ACMG/AMP sequence variant interpretation guidelines (Richards et al. 2015 PMID: 25741868, with internal and published modifications).

NM_021020.5(LZTS1):c.1149+9A>G

Gene: LZTS1 (leucine zipper tumor suppressor 1; minus strand). Cytogenetic location: 8p21.3.
Variant type: single nucleotide variant.
Coding change: c.1149+9A>G on transcript NM_021020.5 (MANE Select); 9 bases into the intron after coding-DNA position 1149, A replaced by G.
Molecular consequence: intron variant.
Genome position (GRCh38, 1-based): chr8:20,252,773, T>C on the plus strand (A>G on the coding strand, the complement: LZTS1 is on the minus strand). VCF-style: chr8-20252773-T-C. GRCh37 (hg19) VCF-style: chr8-20110284-T-C.
Other names: c.1149+9A>G (NM_001362884.2).
Identifiers: ClinVar variation 3037033 (VCV003037033.2), dbSNP rs368052167, ClinGen allele CA4657354.